The following is an entry in ClinVar:

ClinVar aggregate classification (germline): Uncertain significance (1 of 4 stars; one submission).

Conditions:
Developmental and epileptic encephalopathy, 69. Also called: EPILEPTIC ENCEPHALOPATHY, EARLY INFANTILE, 69. Identifiers: MedGen C4748988, MONDO:0032657, OMIM 618285.

Submission:

3billion
Classification: Uncertain significance for Developmental and epileptic encephalopathy, 69. Last evaluated: 2025-12-02. Review status: criteria provided, single submitter. Criteria: ACMG Guidelines, 2015. Collection method: clinical testing. Allele origin: germline. Affected: yes.
Comment: The variant is not observed in the gnomAD v4.1.0 dataset. Predicted Consequence/Location: Missense variant In silico tool predictions suggest damaging effect of the variant on gene or gene product [REVEL: 0.86 (>=0.6, sensitivity 0.68 and specificity 0.92)]. Therefore, this variant is classified as VUS according to the recommendation of ACMG/AMP guideline.

NM_001205293.3(CACNA1E):c.4604T>G (p.Leu1535Trp)

Gene: CACNA1E (calcium voltage-gated channel subunit alpha1 E; plus strand). Cytogenetic location: 1q25.3.
Variant type: single nucleotide variant.
Coding change: c.4604T>G on transcript NM_001205293.3 (MANE Select); coding-DNA position 4604, T replaced by G.
Protein change: p.Leu1535Trp; replaces leucine 1535 with tryptophan.
Molecular consequence: missense variant.
Genome position (GRCh38, 1-based): chr1:181,758,867, T>G. VCF-style: chr1-181758867-T-G. GRCh37 (hg19) VCF-style: chr1-181728003-T-G.
Other names: c.4604T>G, p.Leu1535Trp (NM_000721.4); c.4547T>G, p.Leu1516Trp (NM_001205294.2); short protein forms L1516W, L1535W.
Identifiers: ClinVar variation 4855488 (VCV004855488.1).
Genomic context (GRCh38, chr1:181,758,867, plus strand): 5'-TCGCCTTCACCATGGTGTTTTCCCTGGAATGTGTCCTGAAGGTCATCGCTTTTGGCTTTT[T>G]GGTATGTTGCTGAATCCTTCCCAGCACTGGGCTTGTCTCTTTCTGTTGGGTGCCTTCCCA-3'
Protein context (NP_001192222.1, residues 1525-1545): CVLKVIAFGF[Leu1535Trp]NYFRDTWNIF